The following is an entry in ClinVar:

ClinVar aggregate classification (germline): Likely benign. Review status: criteria provided, multiple submitters, no conflicts (2 of 4 stars). 2 submissions from 2 submitters: Likely benign (2). Last evaluated 2026-01-01.

Conditions:
Cardiovascular phenotype. Identifiers: MedGen CN230736.

Submissions (2):

CeGaT Center for Human Genetics Tuebingen
Classification: Likely benign. Last evaluated: 2026-01-01. Review status: criteria provided, single submitter. Criteria: CeGaT Center For Human Genetics Tuebingen Variant Classification Criteria Version 2. Collection method: clinical testing. Allele origin: germline. Affected: yes. Observed: 1 variant allele.
Comment: SOS2: PM2:Supporting, BP4, BP7

Ambry Genetics
Classification: Likely benign for Cardiovascular phenotype. Last evaluated: 2024-09-15. Review status: criteria provided, single submitter. Criteria: Ambry Variant Classification Scheme 2023. Collection method: clinical testing. Allele origin: germline.

NM_006939.4(SOS2):c.3417A>G (p.Leu1139=)

Gene: SOS2 (SOS Ras/Rho guanine nucleotide exchange factor 2; minus strand). Cytogenetic location: 14q21.3.
Variant type: single nucleotide variant.
Coding change: c.3417A>G on transcript NM_006939.4 (MANE Select); coding-DNA position 3417, A replaced by G.
Protein change: p.Leu1139=; no amino-acid change (leucine 1139 retained).
Molecular consequence: synonymous variant.
Genome position (GRCh38, 1-based): chr14:50,120,347, T>C on the plus strand (A>G on the coding strand, the complement: SOS2 is on the minus strand). VCF-style: chr14-50120347-T-C. GRCh37 (hg19) VCF-style: chr14-50587065-T-C.
Other names: c.3318A>G, p.Leu1106= (NM_001411020.1).
Identifiers: ClinVar variation 3447362 (VCV003447362.5).